The following is an entry in ClinVar:

ClinVar aggregate classification (germline): Likely pathogenic (1 of 4 stars; one submission).

Conditions:
Pelizaeus-Merzbacher disease. Also called: LEUKODYSTROPHY, HYPOMYELINATING, 1; Sudanophilic leukodystrophy; Pelizaeus-Merzbacher spectrum disorder; Pelizaeus-Merzbacher Disease (PMD); Pelizeaus-Merzbacher spectrum disorder. Identifiers: Orphanet 702, MedGen C0205711, MONDO:0010714, OMIM 312080, HP:0003269.

Submission:

Molecular Diagnostics Lab, Nemours Children's Health, Delaware
Classification: Likely pathogenic for Pelizaeus-Merzbacher disease. Last evaluated: 2021-03-22. Review status: criteria provided, single submitter. Criteria: ACMG Guidelines, 2015. Collection method: clinical testing. Allele origin: maternal, unknown. Inheritance: X-linked inheritance. Affected: yes and no. Observed: 1 heterozygote, 2 hemizygotes.
Comment: This missense variant (c.242T>G, p.Leu81Arg) has not been observed in population databases (gnomAD). It has not been described in the literature. Variant prediction programs suggest a deleterious effect on the PLP1 protein, but no functional studies have been published.

NM_000533.5(PLP1):c.242T>G (p.Leu81Arg)

Genes: PLP1 (proteolipid protein 1; plus strand), RAB9B (RAB9B, member RAS oncogene family; minus strand). Cytogenetic location: Xq22.2.
Variant type: single nucleotide variant.
Coding change: c.242T>G on transcript NM_000533.5 (MANE Select); coding-DNA position 242, T replaced by G.
Protein change: p.Leu81Arg; replaces leucine 81 with arginine.
Molecular consequence: missense variant.
Genome position (GRCh38, 1-based): chrX:103,786,515, T>G. VCF-style: chrX-103786515-T-G. GRCh37 (hg19) VCF-style: chrX-103041444-T-G.
Other names: c.77T>G, p.Leu26Arg (NM_001305004.1); c.242T>G, p.Leu81Arg (NM_199478.3, NM_001128834.3); short protein forms L26R, L81R.
Identifiers: ClinVar variation 3255415 (VCV003255415.2), dbSNP rs2522306943.
Genomic context (GRCh38, chrX:103,786,515, plus strand): 5'-GTTAATGCAGGATCCATGCCTTCCAGTATGTCATCTATGGAACTGCCTCTTTCTTCTTCC[T>G]TTATGGGGCCCTCCTGCTGGCTGAGGGCTTCTACACCACCGGCGCAGTCAGGCAGATCTT-3'
Protein context (NP_000524.3, residues 71-91): VIYGTASFFF[Leu81Arg]YGALLLAEGF